The following is an entry in ClinVar:

ClinVar aggregate classification (germline): Uncertain significance (1 of 4 stars; one submission).

Conditions:
Familial sleep-related hypermotor epilepsy. Also called: Autosomal Dominant Sleep-Related Hypermotor (Hyperkinetic) Epilepsy. Identifiers: Orphanet 98784, MedGen C3696898, MONDO:0000030.

gnomAD v4.1: 3 of 1,542,028 alleles (0.00019%); highest among the groups gnomAD compares: East Asian, 0.0073%; no homozygotes.

Submission:

Labcorp Genetics (formerly Invitae), Labcorp
Classification: Uncertain significance for Familial sleep-related hypermotor epilepsy. Last evaluated: 2021-09-03. Review status: criteria provided, single submitter. Criteria: Invitae Variant Classification Sherloc (09022015). Collection method: clinical testing. Allele origin: germline.
Comment: Algorithms developed to predict the effect of missense changes on protein structure and function are either unavailable or do not agree on the potential impact of this missense change (SIFT: "Deleterious"; PolyPhen-2: "Probably Damaging"; Align-GVGD: "Class C15"). This sequence change replaces glycine with arginine at codon 28 of the PRIMA1 protein (p.Gly28Arg). The glycine residue is highly conserved and there is a moderate physicochemical difference between glycine and arginine. The frequency data for this variant in the population databases is considered unreliable, as metrics indicate insufficient coverage at this position in the ExAC database. This variant has not been reported in the literature in individuals affected with PRIMA1-related conditions. In summary, the available evidence is currently insufficient to determine the role of this variant in disease. Therefore, it has been classified as a Variant of Uncertain Significance.

NM_178013.4(PRIMA1):c.82G>C (p.Gly28Arg)

Gene: PRIMA1 (proline rich membrane anchor 1; minus strand). Cytogenetic location: 14q32.12.
Variant type: single nucleotide variant.
Coding change: c.82G>C on transcript NM_178013.4 (MANE Select); coding-DNA position 82, G replaced by C.
Protein change: p.Gly28Arg; replaces glycine 28 with arginine.
Molecular consequence: missense variant.
Genome position (GRCh38, 1-based): chr14:93,787,637, C>G on the plus strand (G>C on the coding strand, the complement: PRIMA1 is on the minus strand). VCF-style: chr14-93787637-C-G. GRCh37 (hg19) VCF-style: chr14-94253983-C-G.
Other names: short protein forms G28R.
Identifiers: ClinVar variation 1414711 (VCV001414711.6), dbSNP rs750307297, ClinGen allele CA391146918.
Genomic context (GRCh38, chr14:93,787,637, plus strand): 5'-CCCTTACCCAGGAGGCCCTCCCAGCCAGTGCGCAGCCGGCGCGTCTCACCTGCACGAAGC[C>G]CCAGAGCGGGTGGAGCGCGCAGTGCAGCAGCAGCGAGGACCAGCAGCAGCCACGGCGCAG-3'
Protein context (NP_821092.1, residues 18-38): LLHCALHPLW[Gly28Arg]FVQVTHGEPQ